The following is an entry in ClinVar:

ClinVar aggregate classification (germline): Uncertain significance (1 of 4 stars; one submission).

Conditions:
Baller-Gerold syndrome (BGS). Also called: CRANIOSYNOSTOSIS WITH RADIAL DEFECTS. Identifiers: Orphanet 1225, MedGen C0265308, MONDO:0009039, OMIM 218600.

Submission:

Labcorp Genetics (formerly Invitae), Labcorp
Classification: Uncertain significance for Baller-Gerold syndrome. Last evaluated: 2023-07-17. Review status: criteria provided, single submitter. Criteria: Invitae Variant Classification Sherloc (09022015). Collection method: clinical testing. Allele origin: germline.
Comment: In summary, the available evidence is currently insufficient to determine the role of this variant in disease. Therefore, it has been classified as a Variant of Uncertain Significance. Advanced modeling of protein sequence and biophysical properties (such as structural, functional, and spatial information, amino acid conservation, physicochemical variation, residue mobility, and thermodynamic stability) performed at Invitae indicates that this missense variant is not expected to disrupt RECQL4 protein function. ClinVar contains an entry for this variant (Variation ID: 1004600). This variant has not been reported in the literature in individuals affected with RECQL4-related conditions. This variant is not present in population databases (gnomAD no frequency). This sequence change replaces threonine, which is neutral and polar, with isoleucine, which is neutral and non-polar, at codon 856 of the RECQL4 protein (p.Thr856Ile).

NM_004260.4(RECQL4):c.2567C>T (p.Thr856Ile)

Gene: RECQL4 (RecQ like helicase 4; minus strand). Cytogenetic location: 8q24.3.
Variant type: single nucleotide variant.
Coding change: c.2567C>T on transcript NM_004260.4 (MANE Select); coding-DNA position 2567, C replaced by T.
Protein change: p.Thr856Ile; replaces threonine 856 with isoleucine.
Molecular consequence: missense variant.
Genome position (GRCh38, 1-based): chr8:144,513,035, G>A on the plus strand (C>T on the coding strand, the complement: RECQL4 is on the minus strand). VCF-style: chr8-144513035-G-A. GRCh37 (hg19) VCF-style: chr8-145738418-G-A.
Other names: short protein forms T856I.
Identifiers: ClinVar variation 1004600 (VCV001004600.3), dbSNP rs1827549635, ClinGen allele CA372677038.